The following is an entry in ClinVar:

ClinVar aggregate classification (germline): Conflicting classifications of pathogenicity. Review status: criteria provided, conflicting classifications (1 of 4 stars). 5 submissions from 5 submitters: Uncertain significance (2); Likely benign (3). Last evaluated 2026-04-14.

Conditions:
ABCB11-related disorder. Also called: ABCB11-related condition.
Familial intrahepatic cholestasis. Identifiers: Orphanet 284385, MedGen CN296401, MONDO:0017290.

Allele frequency attached by ClinVar (database versions not stated): gnomAD 0.00008 and 0.00009; gnomAD exomes 0.00008 and 0.00010; ExAC 0.00012; ESP Exome Variant Server 0.00017; TOPMed 0.00018; 1000 Genomes Project 30x 0.00031.
gnomAD v4.1: 143 of 1,613,764 alleles (0.0089%); highest among the groups gnomAD compares: East Asian, 0.069%; no homozygotes.

Submissions (5):

Genomenon, Inc
Classification: Uncertain significance for Familial intrahepatic cholestasis. Last evaluated: 2026-04-14. Review status: criteria provided, single submitter. Criteria: Genomenon Sequence Variant Interpretation Standards - Updated. Collection method: curation. Allele origin: germline. Affected: no.
Comment: ABCB11 c.279C>T is a synonymous variant that retains Tyrosine at residue 93. This variant has been reported in the published literature (PMID:19571440). It is absent or not present at a significant frequency in gnomAD. In conclusion, we classify ABCB11 p.Tyr93= (c.279C>T) as a variant of uncertain significance.

Labcorp Genetics (formerly Invitae), Labcorp
Classification: Likely benign. Last evaluated: 2026-01-19. Review status: criteria provided, single submitter. Criteria: Invitae Variant Classification Sherloc (09022015). Collection method: clinical testing. Allele origin: germline.

PreventionGenetics, part of Exact Sciences
Classification: Likely benign for ABCB11-related condition. Last evaluated: 2025-10-14. Review status: criteria provided, single submitter. Criteria: ACMG Guidelines, 2015. Collection method: clinical testing. Allele origin: germline.
Comment: This variant is classified as likely benign based on ACMG/AMP sequence variant interpretation guidelines (Richards et al. 2015 PMID: 25741868, with internal and published modifications).

Eurofins Ntd Llc (ga)
Classification: Uncertain significance. Last evaluated: 2017-07-07. Review status: criteria provided, single submitter. Criteria: EGL Classification Definitions 2015. Collection method: clinical testing. Allele origin: germline. Observed: 1 variant allele, 1 heterozygote.

GeneDx
Classification: Likely benign. Last evaluated: 2016-03-04. Review status: criteria provided, single submitter. Criteria: GeneDx Variant Classification (06012015). Collection method: clinical testing. Allele origin: germline. Affected: yes.
Comment: This variant is considered likely benign or benign based on one or more of the following criteria: it is a conservative change, it occurs at a poorly conserved position in the protein, it is predicted to be benign by multiple in silico algorithms, and/or has population frequency not consistent with disease.

Literature cited by the submitters: PubMed 19571440 (cited by Genomenon, Inc).

NM_003742.4(ABCB11):c.279C>T (p.Tyr93=)

Gene: ABCB11 (ATP binding cassette subfamily B member 11; minus strand). Cytogenetic location: 2q31.1.
Variant type: single nucleotide variant.
Coding change: c.279C>T on transcript NM_003742.4 (MANE Select); coding-DNA position 279, C replaced by T.
Protein change: p.Tyr93=; no amino-acid change (tyrosine 93 retained).
Molecular consequence: synonymous variant.
Genome position (GRCh38, 1-based): chr2:169,013,382, G>A on the plus strand (C>T on the coding strand, the complement: ABCB11 is on the minus strand). VCF-style: chr2-169013382-G-A. GRCh37 (hg19) VCF-style: chr2-169869892-G-A.
Other names: c.279C>T, p.Tyr93= (LRG_1199t1).
Identifiers: ClinVar variation 383625 (VCV000383625.18), dbSNP rs375137002, ClinGen allele CA1951930.